The following is an entry in ClinVar:

NM_006767.4(LZTR1):c.99C>G (p.Ser33Arg)

Genes: LZTR1 (leucine zipper like post translational regulator 1; plus strand), LOC130067016 (ATAC-STARR-seq lymphoblastoid silent region 13504; plus strand). Cytogenetic location: 22q11.21.
Variant type: single nucleotide variant.
Coding change: c.99C>G on transcript NM_006767.4 (MANE Select); coding-DNA position 99, C replaced by G.
Protein change: p.Ser33Arg; replaces serine 33 with arginine.
Molecular consequence: missense variant.
Genome position (GRCh38, 1-based): chr22:20,982,470, C>G. VCF-style: chr22-20982470-C-G. GRCh37 (hg19) VCF-style: chr22-21336759-C-G.
Other names: short protein forms S33R.
Identifiers: ClinVar variation 4740924 (VCV004740924.1).

ClinVar aggregate classification (germline): Uncertain significance (1 of 4 stars; one submission).

Submission:

Labcorp Genetics (formerly Invitae), Labcorp
Classification: Uncertain significance. Last evaluated: 2026-01-04. Review status: criteria provided, single submitter. Criteria: Invitae Variant Classification Sherloc (09022015). Collection method: clinical testing. Allele origin: germline.
Comment: This sequence change replaces serine, which is neutral and polar, with arginine, which is basic and polar, at codon 33 of the LZTR1 protein (p.Ser33Arg). This variant is not present in population databases (gnomAD no frequency). This variant has not been reported in the literature in individuals affected with LZTR1-related conditions. Invitae Evidence Modeling of protein sequence and biophysical properties (such as structural, functional, and spatial information, amino acid conservation, physicochemical variation, residue mobility, and thermodynamic stability) indicates that this missense variant is not expected to disrupt LZTR1 protein function with a negative predictive value of 80%. In summary, the available evidence is currently insufficient to determine the role of this variant in disease. Therefore, it has been classified as a Variant of Uncertain Significance.